The following is an entry in ClinVar:

NM_001010909.5(MUC21):c.1077A>T (p.Thr359=)

Genes: MUC21 (mucin 21, cell surface associated; plus strand), LOC126859647 (CDK7 strongly-dependent group 2 enhancer GRCh37_chr6:30954612-30955811; plus strand). Cytogenetic location: 6p21.33.
Variant type: single nucleotide variant.
Coding change: c.1077A>T on transcript NM_001010909.5 (MANE Select); coding-DNA position 1077, A replaced by T.
Protein change: p.Thr359=; no amino-acid change (threonine 359 retained).
Molecular consequence: synonymous variant. On other transcripts: no sequence alteration (1), non-coding transcript variant (1).
Genome position (GRCh38, 1-based): chr6:30,987,252, A>T. VCF-style: chr6-30987252-A-T. GRCh37 (hg19) VCF-style: chr6-30955029-A-T.
Other names: c.1167=, p.Thr389= (NM_001322370.2); c.1167A>T, p.Thr389= (NM_001322371.2).
Identifiers: ClinVar variation 3067284 (VCV003067284.21), dbSNP rs41288693, ClinGen allele CA136800570.

ClinVar aggregate classification (germline): Likely benign (1 of 4 stars; one submission).

Allele frequency attached by ClinVar (database versions not stated): gnomAD exomes 0.00002.

Submission:

CeGaT Center for Human Genetics Tuebingen
Classification: Likely benign. Last evaluated: 2025-11-01. Review status: criteria provided, single submitter. Criteria: CeGaT Center For Human Genetics Tuebingen Variant Classification Criteria Version 2. Collection method: clinical testing. Allele origin: germline. Affected: yes. Observed: 7 variant alleles.
Comment: MUC21: BP4, BP7